The following is an entry in ClinVar:

NM_006031.6(PCNT):c.3714G>C (p.Met1238Ile)

Gene: PCNT (pericentrin; plus strand). Cytogenetic location: 21q22.3.
Variant type: single nucleotide variant.
Coding change: c.3714G>C on transcript NM_006031.6 (MANE Select); coding-DNA position 3714, G replaced by C.
Protein change: p.Met1238Ile; replaces methionine 1238 with isoleucine.
Molecular consequence: missense variant.
Genome position (GRCh38, 1-based): chr21:46,389,305, G>C. VCF-style: chr21-46389305-G-C. GRCh37 (hg19) VCF-style: chr21-47809220-G-C.
Other names: c.3360G>C, p.Met1120Ile (NM_001315529.2); short protein forms M1238I, M1120I.
Identifiers: ClinVar variation 340485 (VCV000340485.6), dbSNP rs886057183, ClinGen allele CA10650745.

ClinVar aggregate classification (germline): Uncertain significance. Review status: criteria provided, multiple submitters, no conflicts (2 of 4 stars). 2 submissions from 2 submitters: Uncertain significance (2). Last evaluated 2026-02-12.

Conditions:
PCNT-related disorder. Also called: PCNT-related condition.
Microcephalic osteodysplastic primordial dwarfism type II (MOPD2). Also called: OSTEODYSPLASTIC PRIMORDIAL DWARFISM, TYPE II; Microcephalic osteodysplastic primordial dwarfism with tooth abnormalities; MOPD II. Identifiers: Orphanet 2637, MedGen C0432246, MONDO:0008872, OMIM 210720.

Allele frequency attached by ClinVar (database versions not stated): gnomAD exomes below 0.00001; gnomAD 0.00001 and 0.00002; TOPMed 0.00002.

Submissions (2):

PreventionGenetics, part of Exact Sciences
Classification: Uncertain significance for PCNT-related condition. Last evaluated: 2026-02-12. Review status: criteria provided, single submitter. Criteria: ACMG Guidelines, 2015. Collection method: clinical testing. Allele origin: germline.
Comment: The PCNT c.3714G>C variant is predicted to result in the amino acid substitution p.Met1238Ile. To our knowledge, this variant has not been reported in the literature. This variant is reported in 0.0015% of alleles in individuals of European (Non-Finnish) descent in gnomAD. At this time, the clinical significance of this variant is uncertain due to the absence of conclusive functional and genetic evidence.

Illumina Laboratory Services, Illumina
Classification: Uncertain significance for Microcephalic osteodysplastic primordial dwarfism type II. Last evaluated: 2018-01-12. Review status: criteria provided, single submitter. Criteria: ICSL Variant Classification Criteria 13 December 2019. Collection method: clinical testing. Allele origin: germline.